The following is an entry in ClinVar:

NM_014425.5(INVS):c.107-1G>A

Gene: INVS (inversin; plus strand). Cytogenetic location: 9q31.1.
Variant type: single nucleotide variant.
Coding change: c.107-1G>A on transcript NM_014425.5 (MANE Select); the canonical splice acceptor site of the intron before coding-DNA position 107, G replaced by A.
Molecular consequence: splice acceptor variant.
Genome position (GRCh38, 1-based): chr9:100,126,382, G>A. VCF-style: chr9-100126382-G-A. GRCh37 (hg19) VCF-style: chr9-102888664-G-A.
Other names: c.-270-1G>A (NM_001318381.2); c.-883-1G>A (NM_001318382.2).
Identifiers: ClinVar variation 2841043 (VCV002841043.4), dbSNP rs2490877060, ClinGen allele CA374360721.

ClinVar aggregate classification (germline): Likely pathogenic. Review status: criteria provided, multiple submitters, no conflicts (2 of 4 stars). 2 submissions from 2 submitters: Likely pathogenic (2). Last evaluated 2024-03-18.

Conditions:
Nephronophthisis. Also called: Juvenile Nephronophthisis. Identifiers: Orphanet 655, MedGen C0687120, MONDO:0019005, HP:0000090.
Infantile nephronophthisis (NPHP2). Also called: Nephronophthisis 2; Nephronophthisis 2, infantile. Identifiers: Orphanet 655, Orphanet 93591, MedGen C1865872, MONDO:0011190, OMIM 602088.

Submissions (2):

Fulgent Genetics
Classification: Likely pathogenic for Infantile nephronophthisis. Last evaluated: 2024-03-18. Review status: criteria provided, single submitter. Criteria: ACMG Guidelines, 2015. Collection method: clinical testing. Allele origin: germline.

Labcorp Genetics (formerly Invitae), Labcorp
Classification: Likely pathogenic for Nephronophthisis. Last evaluated: 2023-02-26. Review status: criteria provided, single submitter. Criteria: Invitae Variant Classification Sherloc (09022015). Collection method: clinical testing. Allele origin: germline.
Comment: In summary, the currently available evidence indicates that the variant is pathogenic, but additional data are needed to prove that conclusively. Therefore, this variant has been classified as Likely Pathogenic. Algorithms developed to predict the effect of sequence changes on RNA splicing suggest that this variant may disrupt the consensus splice site. This variant has not been reported in the literature in individuals affected with INVS-related conditions. This variant is not present in population databases (gnomAD no frequency). This sequence change affects an acceptor splice site in intron 2 of the INVS gene. It is expected to disrupt RNA splicing. Variants that disrupt the donor or acceptor splice site typically lead to a loss of protein function (PMID: 16199547), and loss-of-function variants in INVS are known to be pathogenic (PMID: 12872123).

Literature cited by the submitters: PubMed 16199547 (cited by Labcorp Genetics (formerly Invitae), Labcorp); PubMed 12872123 (cited by Labcorp Genetics (formerly Invitae), Labcorp).